The following is an entry in ClinVar:

NM_020859.4(SHROOM3):c.4593T>A (p.Pro1531=)

Genes: SHROOM3 (shroom family member 3; plus strand), SHROOM3-AS1 (SHROOM3 antisense RNA 1; minus strand). Cytogenetic location: 4q21.1.
Variant type: single nucleotide variant.
Coding change: c.4593T>A on transcript NM_020859.4 (MANE Select); coding-DNA position 4593, T replaced by A.
Protein change: p.Pro1531=; no amino-acid change (proline 1531 retained).
Molecular consequence: synonymous variant.
Genome position (GRCh38, 1-based): chr4:76,755,076, T>A. VCF-style: chr4-76755076-T-A. GRCh37 (hg19) VCF-style: chr4-77676229-T-A.
Identifiers: ClinVar variation 3034136 (VCV003034136.3), dbSNP rs1261643532, ClinGen allele CA439958757.

ClinVar aggregate classification (germline): Likely benign. Review status: criteria provided, single submitter (1 of 4 stars). 2 submissions from 2 submitters: Likely benign (1). 1 of the submissions does not count toward it. Last evaluated 2024-11-14.

Conditions:
SHROOM3-related disorder. Also called: SHROOM3-related condition.

Submissions (2):

Blueprint Genetics
Classification: Likely benign. Last evaluated: 2024-11-14. Review status: criteria provided, single submitter. Criteria: ACMG Guidelines, 2015. Collection method: clinical testing. Allele origin: germline.

PreventionGenetics, part of Exact Sciences
Classification: Likely benign for SHROOM3-related condition. Last evaluated: 2020-02-14. Review status: no assertion criteria provided. Collection method: clinical testing. Allele origin: germline. Not counted in ClinVar's aggregate classification.
Comment: This variant is classified as likely benign based on ACMG/AMP sequence variant interpretation guidelines (Richards et al. 2015 PMID: 25741868, with internal and published modifications).